The following is an entry in ClinVar:

ClinVar aggregate classification (germline): Uncertain significance. Review status: criteria provided, multiple submitters, no conflicts (2 of 4 stars). 3 submissions from 3 submitters: Uncertain significance (3). Last evaluated 2024-02-04.

Conditions:
Malignant hyperthermia, susceptibility to, 5 (MHS5). Also called: CACNA1S-Related Malignant Hyperthermia Susceptibility. Identifiers: Orphanet 423, MedGen C1866077, MONDO:0011163, OMIM 601887.
Hypokalemic periodic paralysis, type 1. Also called: Hypokalemic Periodic Paralysis Type 1 (AD); HypoPP. Identifiers: Orphanet 681, MedGen C3714580, MONDO:0042979, OMIM 170400.
Congenital myopathy 18. Also called: Myopathy, congenital, due to dihydropyridine receptor defect; DIHYDROPYRIDINE RECEPTOR CONGENITAL MYOPATHY; DHPR CONGENITAL MYOPATHY. Identifiers: MedGen C5830283, MONDO:0859514, OMIM 620246.
Thyrotoxic periodic paralysis, susceptibility to, 1 (TTPP1). Identifiers: Orphanet 79102, MedGen C2749982, MONDO:0008570, OMIM 188580.

gnomAD v4.1: 1 of 1,614,166 alleles (0.000062%); highest among the groups gnomAD compares: Non-Finnish European, 0.000085%; no homozygotes.

Submissions (3):

Fulgent Genetics
Classification: Uncertain significance for Hypokalemic periodic paralysis, type 1; Thyrotoxic periodic paralysis, susceptibility to, 1; Malignant hyperthermia, susceptibility to, 5; Congenital myopathy 18. Last evaluated: 2024-02-04. Review status: criteria provided, single submitter. Criteria: ACMG Guidelines, 2015. Collection method: clinical testing. Allele origin: germline.

All of Us Research Program, National Institutes of Health
Classification: Uncertain significance for Malignant hyperthermia, susceptibility to, 5. Last evaluated: 2023-08-15. Review status: criteria provided, single submitter. Criteria: ACMG Guidelines, 2015. Collection method: clinical testing. Allele origin: germline. Inheritance: Autosomal dominant inheritance. Observed: 1 variant allele, 1 heterozygote.
Comment: This study involves interpretation of variants in research participants for the purpose of population health screening. Participant phenotype was not available at the time of variant classification. Additional details can be found in publication PMID: 35346344, PMCID: PMC8962531

Labcorp Genetics (formerly Invitae), Labcorp
Classification: Uncertain significance for Hypokalemic periodic paralysis, type 1; Malignant hyperthermia, susceptibility to, 5. Last evaluated: 2022-10-24. Review status: criteria provided, single submitter. Criteria: Invitae Variant Classification Sherloc (09022015). Collection method: clinical testing. Allele origin: germline.
Comment: This sequence change replaces phenylalanine, which is neutral and non-polar, with serine, which is neutral and polar, at codon 1647 of the CACNA1S protein (p.Phe1647Ser). This variant is not present in population databases (gnomAD no frequency). This variant has not been reported in the literature in individuals affected with CACNA1S-related conditions. ClinVar contains an entry for this variant (Variation ID: 1436075). Advanced modeling of protein sequence and biophysical properties (such as structural, functional, and spatial information, amino acid conservation, physicochemical variation, residue mobility, and thermodynamic stability) performed at Invitae indicates that this missense variant is not expected to disrupt CACNA1S protein function. In summary, the available evidence is currently insufficient to determine the role of this variant in disease. Therefore, it has been classified as a Variant of Uncertain Significance.

NM_000069.3(CACNA1S):c.4940T>C (p.Phe1647Ser)

Gene: CACNA1S (calcium voltage-gated channel subunit alpha1 S; minus strand). Cytogenetic location: 1q32.1.
Variant type: single nucleotide variant.
Coding change: c.4940T>C on transcript NM_000069.3 (MANE Select); coding-DNA position 4940, T replaced by C.
Protein change: p.Phe1647Ser; replaces phenylalanine 1647 with serine.
Molecular consequence: missense variant.
Genome position (GRCh38, 1-based): chr1:201,043,389, A>G on the plus strand (T>C on the coding strand, the complement: CACNA1S is on the minus strand). VCF-style: chr1-201043389-A-G. GRCh37 (hg19) VCF-style: chr1-201012517-A-G.
Other names: short protein forms F1647S.
Identifiers: ClinVar variation 1436075 (VCV001436075.10), dbSNP rs2102547613, ClinGen allele CA344136550.